The following is an entry in ClinVar:

ClinVar aggregate classification (germline): Benign. Review status: criteria provided, multiple submitters, no conflicts (2 of 4 stars). 14 submissions from 13 submitters: Benign (11). 3 of the submissions do not count toward it. Last evaluated 2026-02-04.

Conditions:
Ehlers-Danlos syndrome, classic type, 1 (EDSCL1). Also called: Ehlers-Danlos syndrome, type 1; Ehlers-Danlos Syndrome, Classic Type, COL5A1-Related; EDS I; EHLERS-DANLOS SYNDROME, GRAVIS TYPE; EHLERS-DANLOS SYNDROME, SEVERE CLASSIC TYPE. Identifiers: MedGen C0268335, MONDO:0019567, OMIM 130000.
Fibromuscular dysplasia, multifocal. Identifiers: MedGen C5543412, MONDO:0859151, OMIM 619329.
Familial thoracic aortic aneurysm and aortic dissection (TAAD). Also called: Thoracic aortic aneurysms and dissections. Identifiers: Orphanet 91387, MedGen C4707243, MONDO:0019625.

Allele frequency attached by ClinVar (database versions not stated): ESP Exome Variant Server 0.33215; 1000 Genomes Project 30x 0.33901; 1000 Genomes Project 0.34265; gnomAD 0.34823 and 0.35617; TOPMed 0.35089.
gnomAD v4.1: 691,370 of 1,612,790 alleles (43%); highest among the groups gnomAD compares: Admixed American, 57%; 154,153 homozygotes.

Submissions (14):

Labcorp Genetics (formerly Invitae), Labcorp
Classification: Benign for Ehlers-Danlos syndrome, classic type, 1. Last evaluated: 2026-02-04. Review status: criteria provided, single submitter. Criteria: Invitae Variant Classification Sherloc (09022015). Collection method: clinical testing. Allele origin: germline.

Molecular Diagnostic Laboratory for Inherited Cardiovascular Disease, Montreal Heart Institute
Classification: Benign. Last evaluated: 2025-04-09. Review status: criteria provided, single submitter. Criteria: ACMG Guidelines, 2015. Collection method: clinical testing. Allele origin: germline. Affected: no.

Blueprint Genetics
Classification: Benign. Last evaluated: 2024-11-27. Review status: criteria provided, single submitter. Criteria: ACMG Guidelines, 2015. Collection method: clinical testing. Allele origin: germline.

Genome-Nilou Lab
Classification: Benign for Ehlers-Danlos syndrome, classic type, 1. Last evaluated: 2021-07-30. Review status: criteria provided, single submitter. Criteria: ACMG Guidelines, 2015. Collection method: clinical testing. Allele origin: germline. Affected: no.

Genome-Nilou Lab
Classification: Benign for Fibromuscular dysplasia, multifocal. Last evaluated: 2021-07-30. Review status: criteria provided, single submitter. Criteria: ACMG Guidelines, 2015. Collection method: clinical testing. Allele origin: germline. Affected: no.

Mayo Clinic Laboratories, Mayo Clinic
Classification: Benign. Last evaluated: 2017-11-14. Review status: criteria provided, single submitter. Criteria: ACMG Guidelines, 2015. Collection method: clinical testing. Allele origin: germline. Observed: 3,641 variant alleles.

Women's Health and Genetics/Laboratory Corporation of America, LabCorp
Classification: Benign. Last evaluated: 2017-03-15. Review status: criteria provided, single submitter. Criteria: LabCorp Variant Classification Summary - May 2015. Collection method: clinical testing. Allele origin: germline.
Comment: Variant summary: The COL5A1 c.738C>T (p.Thr246Thr) variant involves the alteration of a non-conserved nucleotide, resulting in a synonymous change. The variant is not found within a known functional domain and one in silico tool predicts a polymorphism outcome for this variant. 5/5 splice prediction tools predict no significant impact on normal splicing. ESE finder predicts that this variant does not significantly affect ESE sites at the locus. However, these predictions have yet to be confirmed by functional studies. This variant was found in 52060/121340 control chromosomes (12029 homozygotes) at a frequency of 0.4290424, which is approximately 343234 times the estimated maximal expected allele frequency of a pathogenic COL5A1 variant (0.0000013), suggesting this variant is likely a benign polymorphism. Several publications have cited the variant as a common polymorphism (Symoens_HM_2012; Takahara_AJHG_2002). In addition, multiple clinical diagnostic laboratories/reputable databases classified this variant as benign. Taken together, this variant is classified as benign.

Ambry Genetics
Classification: Benign for Familial thoracic aortic aneurysm and aortic dissection. Last evaluated: 2014-12-29. Review status: criteria provided, single submitter. Criteria: Ambry Variant Classification Scheme 2023. Collection method: clinical testing. Allele origin: germline.

GeneDx
Classification: Benign. Last evaluated: 2012-11-13. Review status: criteria provided, single submitter. Criteria: GeneDx Variant Classification (06012015). Collection method: clinical testing. Allele origin: germline. Affected: yes.
Comment: This variant is considered likely benign or benign based on one or more of the following criteria: it is a conservative change, it occurs at a poorly conserved position in the protein, it is predicted to be benign by multiple in silico algorithms, and/or has population frequency not consistent with disease.

Breakthrough Genomics
Classification: Benign. Review status: criteria provided, single submitter. Criteria: ACMG Guidelines, 2015. Collection method: not provided. Allele origin: germline. Inheritance: Autosomal dominant inheritance. Affected: yes.

PreventionGenetics, part of Exact Sciences
Classification: Benign. Review status: criteria provided, single submitter. Criteria: ACMG Guidelines, 2015. Collection method: clinical testing. Allele origin: germline.

Clinical Genetics DNA and cytogenetics Diagnostics Lab, Erasmus MC, Erasmus Medical Center
Classification: Benign. Review status: no assertion criteria provided. Collection method: clinical testing. Allele origin: germline. Affected: yes. Study: VKGL Data-share Consensus. Not counted in ClinVar's aggregate classification.

Diagnostic Laboratory, Department of Genetics, University Medical Center Groningen
Classification: Benign. Review status: no assertion criteria provided. Collection method: clinical testing. Allele origin: germline. Affected: yes. Study: VKGL Data-share Consensus. Not counted in ClinVar's aggregate classification.

Genome Diagnostics Laboratory, Amsterdam University Medical Center
Classification: Benign. Review status: no assertion criteria provided. Collection method: clinical testing. Allele origin: germline. Affected: yes. Study: VKGL Data-share Consensus. Not counted in ClinVar's aggregate classification.

Literature cited by the submitters: PubMed 12145749 (cited by Women's Health and Genetics/Laboratory Corporation of America, LabCorp); PubMed 22696272 (cited by Women's Health and Genetics/Laboratory Corporation of America, LabCorp).

NM_000093.5(COL5A1):c.738C>T (p.Thr246=)

Gene: COL5A1 (collagen type V alpha 1 chain; plus strand). Cytogenetic location: 9q34.3.
Variant type: single nucleotide variant.
Coding change: c.738C>T on transcript NM_000093.5 (MANE Select); coding-DNA position 738, C replaced by T.
Protein change: p.Thr246=; no amino-acid change (threonine 246 retained).
Molecular consequence: synonymous variant.
Genome position (GRCh38, 1-based): chr9:134,727,349, C>T. VCF-style: chr9-134727349-C-T. GRCh37 (hg19) VCF-style: chr9-137619195-C-T.
Other names: p.T246T:ACC>ACT; p.Thr246=; c.738C>T, p.Thr246= (NM_001278074.1).
Identifiers: ClinVar variation 136922 (VCV000136922.31), dbSNP rs3124299, ClinGen allele CA290340.
Genomic context (GRCh38, chr9:134,727,349, plus strand): 5'-TGTCTCGGACCACCGGGCAGCTTATGATTACTGTGAGCACTACAGCCCTGACTGTGACAC[C>T]GCAGTACCTGACACCCCACAGTCGCAGGACCCCAATCCAGATGAATATGTGAGTTAACTC-3'
Protein context (NP_000084.3, residues 236-256): YCEHYSPDCD[Thr246=]AVPDTPQSQD